The following is an entry in ClinVar:

NM_015294.6(TRIM37):c.2069C>G (p.Thr690Ser)

Gene: TRIM37 (tripartite motif containing 37; minus strand). Cytogenetic location: 17q22.
Variant type: single nucleotide variant.
Coding change: c.2069C>G on transcript NM_015294.6 (MANE Select); coding-DNA position 2069, C replaced by G.
Protein change: p.Thr690Ser; replaces threonine 690 with serine.
Molecular consequence: missense variant. On other transcripts: non-coding transcript variant (2).
Genome position (GRCh38, 1-based): chr17:59,028,603, G>C on the plus strand (C>G on the coding strand, the complement: TRIM37 is on the minus strand). VCF-style: chr17-59028603-G-C. GRCh37 (hg19) VCF-style: chr17-57105964-G-C.
Other names: c.2069C>G, p.Thr690Ser (NM_001005207.5, NM_001320988.3, NM_001320989.3 and 1 more transcripts); c.1967C>G, p.Thr656Ser (NM_001320987.3, NM_001353082.2); c.1703C>G, p.Thr568Ser (NM_001320990.3); c.1334C>G, p.Thr445Ser (NM_001353083.2); c.1607C>G, p.Thr536Ser (NM_001353085.2); c.2018C>G, p.Thr673Ser (NM_001353086.2); short protein forms T656S, T690S, T445S, T536S, T568S, T673S.
Identifiers: ClinVar variation 3461299 (VCV003461299.2).
Genomic context (GRCh38, chr17:59,028,603, plus strand): 5'-TGCATGTCTCCAGAAGCAGCACTGCTGCTTTTTATTTCTGAAAGTGTATTCTTTACATCA[G>C]TTTTCATACATCGAACTTCGGCCATTTGAGTTTTGAGTCTTTTTAGCATCTTTAAATCAG-3'
Protein context (NP_056109.1, residues 680-700): TQMAEVRCMK[Thr690Ser]DVKNTLSEIK

ClinVar aggregate classification (germline): Uncertain significance. Review status: criteria provided, multiple submitters, no conflicts (2 of 4 stars). 2 submissions from 2 submitters: Uncertain significance (2). Last evaluated 2026-10-01.

Conditions:
Mulibrey nanism syndrome. Also called: MUSCLE-LIVER-BRAIN-EYE NANISM; PERHEENTUPA SYNDROME; PERICARDIAL CONSTRICTION AND GROWTH FAILURE. Identifiers: Orphanet 2576, MedGen C0524582, MONDO:0009664, OMIM 253250.
Inborn genetic diseases. Identifiers: MedGen C0950123, MeSH D030342.

gnomAD v4.1: 8 of 1,614,080 alleles (0.0005%); highest among the groups gnomAD compares: Middle Eastern, 0.016%; no homozygotes.

Submissions (2):

St. Jude Molecular Pathology, St. Jude Children's Research Hospital
Classification: Uncertain significance for Mulibrey nanism syndrome. Last evaluated: 2026-10-01. Review status: criteria provided, single submitter. Criteria: St. Jude Assertion Criteria 2020. Collection method: clinical testing. Allele origin: germline.
Comment: The TRIM37 c.2069C>G p.(Thr690Ser) missense change has a ma ximum subpopulation frequency of 0.003% in gnomAD v2.1.1. The in silico tool REVEL predicts a benign effect on protein function, but to our knowledge this prediction has not been confirmed by functional studies. To our knowledge, this variant has not been reported in individuals with Mulibrey nanism. In summary, the evidence currently available is insufficient to determine the clinical significance of this variant. It has therefore been classified as of uncertain significance.

Ambry Genetics
Classification: Uncertain significance for Inborn genetic diseases. Last evaluated: 2024-07-16. Review status: criteria provided, single submitter. Criteria: Ambry Variant Classification Scheme 2023. Collection method: clinical testing. Allele origin: germline.